The following is an entry in ClinVar:

ClinVar aggregate classification (germline): Conflicting classifications of pathogenicity. Review status: criteria provided, conflicting classifications (1 of 4 stars). 4 submissions from 4 submitters: Uncertain significance (1); Likely benign (3). Last evaluated 2024-01-19.

Conditions:
Autosomal dominant nonsyndromic hearing loss 15 (DFNA15). Also called: DEAFNESS, AUTOSOMAL DOMINANT 52; Autosomal dominant nonsyndromic hearing loss 52. Identifiers: Orphanet 90635, MedGen C1865366, MONDO:0011226, OMIM 602459.

Allele frequency attached by ClinVar (database versions not stated): TOPMed below 0.00001; gnomAD 0.00001; gnomAD exomes 0.00001; ExAC 0.00002.

Submissions (4):

Blueprint Genetics
Classification: Likely benign. Last evaluated: 2024-01-19. Review status: criteria provided, single submitter. Criteria: ACMG Guidelines, 2015. Collection method: clinical testing. Allele origin: germline.

Labcorp Genetics (formerly Invitae), Labcorp
Classification: Likely benign. Last evaluated: 2023-11-12. Review status: criteria provided, single submitter. Criteria: Invitae Variant Classification Sherloc (09022015). Collection method: clinical testing. Allele origin: germline.

ARUP Laboratories, Molecular Genetics and Genomics, ARUP Laboratories
Classification: Likely benign. Last evaluated: 2018-04-18. Review status: criteria provided, single submitter. Criteria: ARUP Molecular Germline Variant Investigation Process. Collection method: clinical testing. Allele origin: germline.
Comment: The c.171C>G; p.Ala57Ala variant (rs781289197) does not alter the amino acid sequence of the POU4F3 protein and computational splice site prediction algorithms do not predict a change in the nearest splice site or creation of a cryptic splice site. This variant has not been reported in association with hearing loss in medical literature or in gene specific variation databases. This variant is listed in the genome Aggregation Database (gnomAD) with an overall population frequency of 0.0008% (identified on 2 out of 246,230 chromosomes). Based on the available information, the c.171C>G variant is likely to be benign.

Illumina Laboratory Services, Illumina
Classification: Uncertain significance for Autosomal dominant nonsyndromic hearing loss 15. Last evaluated: 2018-01-13. Review status: criteria provided, single submitter. Criteria: ICSL Variant Classification Criteria 13 December 2019. Collection method: clinical testing. Allele origin: germline.

NM_002700.3(POU4F3):c.171C>G (p.Ala57=)

Genes: POU4F3 (POU class 4 homeobox 3; plus strand), RBM27-POU4F3 (RBM27-POU4F3 readthrough; plus strand). Cytogenetic location: 5q32.
Variant type: single nucleotide variant.
Coding change: c.171C>G on transcript NM_002700.3 (MANE Select); coding-DNA position 171, C replaced by G.
Protein change: p.Ala57=; no amino-acid change (alanine 57 retained).
Molecular consequence: synonymous variant.
Genome position (GRCh38, 1-based): chr5:146,339,598, C>G. VCF-style: chr5-146339598-C-G. GRCh37 (hg19) VCF-style: chr5-145719161-C-G.
Identifiers: ClinVar variation 618334 (VCV000618334.16), dbSNP rs781289197, ClinGen allele CA3491063.
Genomic context (GRCh38, chr5:146,339,598, plus strand): 5'-TCGCTTGCAGCTGCAGGGTAATATATTTGGAAGCTTTGATGAGAGCCTGCTGGCACGCGC[C>G]GAAGCTCTGGCGGCGGTGGATATCGTCTCCCACGGCAAGAACCATCCGTTCAAGCCCGAC-3'
Protein context (NP_002691.1, residues 47-67): GSFDESLLAR[Ala57=]EALAAVDIVS